The following is an entry in ClinVar:

NM_152393.4(KLHL40):c.119G>A (p.Gly40Asp)

Gene: KLHL40 (kelch like family member 40; plus strand). Cytogenetic location: 3p22.1.
Variant type: single nucleotide variant.
Coding change: c.119G>A on transcript NM_152393.4 (MANE Select); coding-DNA position 119, G replaced by A.
Protein change: p.Gly40Asp; replaces glycine 40 with aspartic acid.
Molecular consequence: missense variant.
Genome position (GRCh38, 1-based): chr3:42,685,737, G>A. VCF-style: chr3-42685737-G-A. GRCh37 (hg19) VCF-style: chr3-42727229-G-A.
Other names: short protein forms G40D.
Identifiers: ClinVar variation 642829 (VCV000642829.7), dbSNP rs1575218183, ClinGen allele CA352288721.

ClinVar aggregate classification (germline): Uncertain significance (1 of 4 stars; one submission).

Conditions:
Nemaline myopathy 8 (NEM8). Also called: Nemaline myopathy 8, autosomal recessive. Identifiers: Orphanet 171430, MedGen C3809209, MONDO:0014138, OMIM 615348.

Submission:

Labcorp Genetics (formerly Invitae), Labcorp
Classification: Uncertain significance for Nemaline myopathy 8. Last evaluated: 2022-02-03. Review status: criteria provided, single submitter. Criteria: Invitae Variant Classification Sherloc (09022015). Collection method: clinical testing. Allele origin: germline.
Comment: ClinVar contains an entry for this variant (Variation ID: 642829). This variant has not been reported in the literature in individuals affected with KLHL40-related conditions. This variant is not present in population databases (gnomAD no frequency). This sequence change replaces glycine, which is neutral and non-polar, with aspartic acid, which is acidic and polar, at codon 40 of the KLHL40 protein (p.Gly40Asp). Algorithms developed to predict the effect of missense changes on protein structure and function (SIFT, PolyPhen-2, Align-GVGD) all suggest that this variant is likely to be tolerated. In summary, the available evidence is currently insufficient to determine the role of this variant in disease. Therefore, it has been classified as a Variant of Uncertain Significance.